The following is an entry in ClinVar:

ClinVar aggregate classification (germline): Uncertain significance. Review status: criteria provided, multiple submitters, no conflicts (2 of 4 stars). 4 submissions from 4 submitters: Uncertain significance (4). Last evaluated 2025-04-17.

Conditions:
Aortic aneurysm, familial thoracic 4 (AAT4). Also called: AORTIC ANEURYSM/AORTIC DISSECTION AND PATENT DUCTUS ARTERIOSUS. Identifiers: MedGen C1851504, MONDO:0007568, OMIM 132900.
Familial thoracic aortic aneurysm and aortic dissection (TAAD). Also called: Thoracic aortic aneurysms and dissections. Identifiers: Orphanet 91387, MedGen C4707243, MONDO:0019625.

gnomAD v4.1: 2 of 1,613,890 alleles (0.00012%); highest among the groups gnomAD compares: Admixed American, 0.0017%; no homozygotes.

Submissions (4):

Labcorp Genetics (formerly Invitae), Labcorp
Classification: Uncertain significance for Aortic aneurysm, familial thoracic 4. Last evaluated: 2025-04-17. Review status: criteria provided, single submitter. Criteria: Invitae Variant Classification Sherloc (09022015). Collection method: clinical testing. Allele origin: germline.
Comment: This sequence change replaces glutamine, which is neutral and polar, with histidine, which is basic and polar, at codon 328 of the MYH11 protein (p.Gln328His). This variant is not present in population databases (gnomAD no frequency). This variant has not been reported in the literature in individuals affected with MYH11-related conditions. ClinVar contains an entry for this variant (Variation ID: 201104). Invitae Evidence Modeling of protein sequence and biophysical properties (such as structural, functional, and spatial information, amino acid conservation, physicochemical variation, residue mobility, and thermodynamic stability) indicates that this missense variant is not expected to disrupt MYH11 protein function with a negative predictive value of 95%. In summary, the available evidence is currently insufficient to determine the role of this variant in disease. Therefore, it has been classified as a Variant of Uncertain Significance.

Color Diagnostics, LLC DBA Color Health
Classification: Uncertain significance for Familial thoracic aortic aneurysm and aortic dissection. Last evaluated: 2023-12-05. Review status: criteria provided, single submitter. Criteria: ACMG Guidelines, 2015. Collection method: clinical testing. Allele origin: germline.
Comment: Variant of Uncertain Significance due to insufficient evidence: This missense variant replaces glutamine with histidine at codon 328 of the MYH11 protein. Computational prediction tools and conservation analyses suggest that this variant may have deleterious impact on the protein function. Computational splicing tools suggest that this variant may not impact RNA splicing. To our knowledge, functional assays have not been performed for this variant nor has this variant been reported in individuals affected with cardiovascular disorders in the literature. This variant is rare in the general population and has been identified in 0/277264 chromosomes by the Genome Aggregation Database (gnomAD). Available evidence is insufficient to determine the role of this variant in disease conclusively.

Ambry Genetics
Classification: Uncertain significance for Familial thoracic aortic aneurysm and aortic dissection. Last evaluated: 2022-09-26. Review status: criteria provided, single submitter. Criteria: Ambry Variant Classification Scheme 2023. Collection method: clinical testing. Allele origin: germline.
Comment: The p.Q321H variant (also known as c.963G>C), located in coding exon 8 of the MYH11 gene, results from a G to C substitution at nucleotide position 963. The glutamine at codon 321 is replaced by histidine, an amino acid with highly similar properties. This amino acid position is conserved. In addition, the in silico prediction for this alteration is inconclusive. Since supporting evidence is limited at this time, the clinical significance of this alteration remains unclear.

GeneDx
Classification: Uncertain significance. Last evaluated: 2014-02-09. Review status: criteria provided, single submitter. Criteria: GeneDx Variant Classification (06012015). Collection method: clinical testing. Allele origin: germline. Affected: yes.
Comment: p.Gln321His (CAG>CAC): c.963 G>C in exon 9 of the MYH11 gene (NM_002474.2). The Q321H variant in the MYH11 gene has not been reported as a disease-causing mutation or as a benign polymorphism to our knowledge. Q321H was not observed in approximately 6,500 individuals of European and African American ancestry in the NHLBI Exome Sequencing Project, indicating it is not a common benign variant in these populations. The Q321H variant is located at a position that is conserved across species. The Q321H variant is a semi-conservative amino acid substitution as these residues share similar properties, but differ in size, charge, or other properties which may impact secondary structure. However, no missense mutations have been reported in nearby residues, indicating this region of the protein may tolerate change. In silico analysis was inconsistent with regard to the effect this variant may have on the protein structure/function. With the clinical and molecular information available at this time, we cannot definitively determine if Q321H is a disease-causing mutation or a rare benign variant. The variant is found in TAAD panel(s).

NM_002474.3(MYH11):c.963G>C (p.Gln321His)

Gene: MYH11 (myosin heavy chain 11; minus strand). Cytogenetic location: 16p13.11.
Variant type: single nucleotide variant.
Coding change: c.963G>C on transcript NM_002474.3 (MANE Select); coding-DNA position 963, G replaced by C.
Protein change: p.Gln321His; replaces glutamine 321 with histidine.
Molecular consequence: missense variant.
Genome position (GRCh38, 1-based): chr16:15,771,639, C>G on the plus strand (G>C on the coding strand, the complement: MYH11 is on the minus strand). VCF-style: chr16-15771639-C-G. GRCh37 (hg19) VCF-style: chr16-15865496-C-G.
Other names: p.Q321H:CAG>CAC; c.984G>C, p.Gln328His (NM_001040113.2, NM_001040114.2); c.963G>C, p.Gln321His (NM_022844.3); short protein forms Q321H, Q328H.
Identifiers: ClinVar variation 201104 (VCV000201104.11), dbSNP rs794728673, ClinGen allele CA306653.